The following is an entry in ClinVar:

ClinVar aggregate classification (germline): Conflicting classifications of pathogenicity. Review status: criteria provided, conflicting classifications (1 of 4 stars). 5 submissions from 5 submitters: Uncertain significance (1); Likely benign (4). Last evaluated 2025-09-27.

Conditions:
Cardiovascular phenotype. Identifiers: MedGen CN230736.
Cardiac arrhythmia. Also called: Arrhythmia; Cardiac rhythm disease. Identifiers: MedGen C0003811, MONDO:0007263, HP:0011675.
Long QT syndrome 2 (LQT2). Identifiers: Orphanet 101016, Orphanet 768, MedGen C3150943, MONDO:0013367, OMIM 613688.
Long QT syndrome (LQTS). Identifiers: MedGen C0023976, MeSH D008133, MONDO:0002442. Disease mechanism: loss of function. Inheritance: Various modes of inheritance.

Allele frequency attached by ClinVar (database versions not stated): ExAC 0.00001; gnomAD 0.00001; TOPMed 0.00003; 1000 Genomes Project 0.00040; 1000 Genomes Project 30x 0.00047.
gnomAD v4.1: 11 of 1,614,168 alleles (0.00068%); highest among the groups gnomAD compares: African/African-American, 0.0053%; no homozygotes.

Submissions (5):

Labcorp Genetics (formerly Invitae), Labcorp
Classification: Likely benign for Long QT syndrome. Last evaluated: 2025-09-27. Review status: criteria provided, single submitter. Criteria: Invitae Variant Classification Sherloc (09022015). Collection method: clinical testing. Allele origin: germline.

All of Us Research Program, National Institutes of Health
Classification: Likely benign for Long QT syndrome. Last evaluated: 2023-12-07. Review status: criteria provided, single submitter. Criteria: ACMG Guidelines, 2015. Collection method: clinical testing. Allele origin: germline. Inheritance: Autosomal dominant inheritance. Observed: 2 variant alleles, 2 heterozygotes.
Comment: This study involves interpretation of variants in research participants for the purpose of population health screening. Participant phenotype was not available at the time of variant classification. Additional details can be found in publication PMID: 35346344, PMCID: PMC8962531

Ambry Genetics
Classification: Likely benign for Cardiovascular phenotype. Last evaluated: 2023-10-12. Review status: criteria provided, single submitter. Criteria: Ambry Variant Classification Scheme 2023. Collection method: clinical testing. Allele origin: germline.

Color Diagnostics, LLC DBA Color Health
Classification: Likely benign for Cardiac arrhythmia. Last evaluated: 2022-11-06. Review status: criteria provided, single submitter. Criteria: ACMG Guidelines, 2015. Collection method: clinical testing. Allele origin: germline.

Illumina Laboratory Services, Illumina
Classification: Uncertain significance for Long QT syndrome 2. Last evaluated: 2017-04-27. Review status: criteria provided, single submitter. Criteria: ICSL Variant Classification Criteria 13 December 2019. Collection method: clinical testing. Allele origin: germline.

NM_000238.4(KCNH2):c.1308G>A (p.Thr436=)

Gene: KCNH2 (potassium voltage-gated channel subfamily H member 2; minus strand). Cytogenetic location: 7q36.1.
Variant type: single nucleotide variant.
Coding change: c.1308G>A on transcript NM_000238.4 (MANE Select); coding-DNA position 1308, G replaced by A.
Protein change: p.Thr436=; no amino-acid change (threonine 436 retained).
Molecular consequence: synonymous variant. On other transcripts: non-coding transcript variant (2).
Genome position (GRCh38, 1-based): chr7:150,952,674, C>T on the plus strand (G>A on the coding strand, the complement: KCNH2 is on the minus strand). VCF-style: chr7-150952674-C-T. GRCh37 (hg19) VCF-style: chr7-150649762-C-T.
Other names: c.288G>A, p.Thr96= (NM_001204798.2, NM_172057.3); c.1020G>A, p.Thr340= (NM_001406753.1, NM_001406756.1); c.1131G>A, p.Thr377= (NM_001406755.1); c.1008G>A, p.Thr336= (NM_001406757.1); c.1308G>A, p.Thr436= (NM_172056.3).
Identifiers: ClinVar variation 909782 (VCV000909782.16), dbSNP rs527911312, ClinGen allele CA027601.
Genomic context (GRCh38, chr7:150,952,674, plus strand): 5'-GTCCACCACAGCCAGCGGCTGGCAGGCGTAGCCACACTCGGTAGCAGGCGGGCCTTCTTC[C>T]GTCTCCTTCAGCAGGAAGGCAGCCGAGTAGGGTGTGAAGACAGCCGTGTAGATGACCAGC-3'
Protein context (NP_000229.1, residues 426-446): PYSAAFLLKE[Thr436=]EEGPPATECG